The following is an entry in ClinVar:

ClinVar aggregate classification (germline): Likely pathogenic (1 of 4 stars; one submission).

Submission:

GeneDx
Classification: Likely pathogenic. Last evaluated: 2016-03-03. Review status: criteria provided, single submitter. Criteria: GeneDx Variant Classification (06012015). Collection method: clinical testing. Allele origin: germline. Affected: yes.
Comment: The C326X variant in the SLC39A8 gene has not been reported previously as a pathogenic variant nor as a benign variant, to our knowledge. The C326X variant was not observed in approximately 6,500 individuals of European and African American ancestry in the NHLBI Exome Sequencing Project, indicating it is not a common benign variant in these populations. This variant is predicted to cause loss of normal protein function either through protein truncation or nonsense-mediated mRNA decay. However, to our knowledge, only missense variants have been reported in association with SLC39A8-related disease. Therefore, we interpret C326X as a strong candidate for a pathogenic variant; however, the possibility that it may be a rare benign variant cannot be excluded.

NM_001135146.2(SLC39A8):c.978C>A (p.Cys326Ter)

Genes: SLC39A8 (solute carrier family 39 member 8; minus strand), LOC126807125 (MED14-independent group 3 enhancer GRCh37_chr4:103188587-103189786; plus strand). Cytogenetic location: 4q24.
Variant type: single nucleotide variant.
Coding change: c.978C>A on transcript NM_001135146.2 (MANE Select); coding-DNA position 978, C replaced by A.
Protein change: p.Cys326Ter; replaces cysteine 326 with a stop codon.
Molecular consequence: nonsense.
Genome position (GRCh38, 1-based): chr4:102,267,942, G>T on the plus strand (C>A on the coding strand, the complement: SLC39A8 is on the minus strand). VCF-style: chr4-102267942-G-T. GRCh37 (hg19) VCF-style: chr4-103189099-G-T.
Other names: c.978C>A, p.Cys326Ter (NM_001135147.1, NM_022154.5); c.777C>A, p.Cys259Ter (NM_001135148.2); short protein forms C326*, C259*.
Identifiers: ClinVar variation 383789 (VCV000383789.2), dbSNP rs1057521727, ClinGen allele CA16604535.